The following is an entry in ClinVar:

NM_001356.5(DDX3X):c.641T>C (p.Ile214Thr)

Gene: DDX3X (DEAD-box helicase 3 X-linked; plus strand). Cytogenetic location: Xp11.4.
Variant type: single nucleotide variant.
Coding change: c.641T>C on transcript NM_001356.5 (MANE Select); coding-DNA position 641, T replaced by C.
Protein change: p.Ile214Thr; replaces isoleucine 214 with threonine.
Molecular consequence: missense variant. On other transcripts: non-coding transcript variant (1).
Genome position (GRCh38, 1-based): chrX:41,343,313, T>C. VCF-style: chrX-41343313-T-C. GRCh37 (hg19) VCF-style: chrX-41202566-T-C.
Other names: c.641T>C, p.Ile214Thr (NM_001193416.3); c.593T>C, p.Ile198Thr (NM_001193417.3); c.83T>C, p.Ile28Thr (NM_001363819.1); c.641T>C (NM_001356.3); short protein forms I198T, I214T, I28T.
Identifiers: ClinVar variation 3341302 (VCV003341302.2).
Genomic context (GRCh38, chrX:41,343,313, plus strand): 5'-ACATTGAGCTTACTCGTTATACTCGCCCAACTCCAGTGCAAAAGCATGCTATTCCTATTA[T>C]CAAAGAGAAAAGAGACTTGATGGCTTGTGCCCAAACAGGTAAGCTCAACTCATAAGAGTA-3'
Protein context (NP_001347.3, residues 204-224): TPVQKHAIPI[Ile214Thr]KEKRDLMACA

ClinVar aggregate classification (germline): Pathogenic/Likely pathogenic. Review status: criteria provided, multiple submitters, no conflicts (2 of 4 stars). 2 submissions from 2 submitters: Pathogenic (1); Likely pathogenic (1). Last evaluated 2024-12-10.

Conditions:
Intellectual disability, X-linked 102 (MRXSSB). Also called: Intellectual developmental disorder, X-linked syndromic, Snijders Blok type. Identifiers: Orphanet 457260, MedGen C5393299, MONDO:0010497, OMIM 300958.
Inborn genetic diseases. Identifiers: MedGen C0950123, MeSH D030342.

Submissions (2):

Ambry Genetics
Classification: Pathogenic for Inborn genetic diseases. Last evaluated: 2024-12-10. Review status: criteria provided, single submitter. Criteria: Ambry Variant Classification Scheme 2023. Collection method: clinical testing. Allele origin: germline.
Comment: The c.641T>C (p.I214T) alteration is located in exon 7 (coding exon 7) of the DDX3X gene. This alteration results from a T to C substitution at nucleotide position 641, causing the isoleucine (I) at amino acid position 214 to be replaced by a threonine (T). This variant was not reported in population-based cohorts in the Genome Aggregation Database (gnomAD). This variant was reported in individual(s) with features consistent with DDX3X-related neurodevelopmental disorder; in at least one individual, it was determined to be de novo (Snijders Blok, 2015; Deciphering Developmental Disorders, 2015). This amino acid position is highly conserved in available vertebrate species. This missense alteration is located in a region that has a low rate of benign missense variation (Lek, 2016; Firth, 2009). Functional analysis demonstrated that the p.I214T alteration has a loss of function impact (Snijders Blok, 2015; Kellaris, 2018). This alteration is predicted to be deleterious by in silico analysis. Based on the available evidence, this alteration is classified as pathogenic.

Neuberg Centre For Genomic Medicine, NCGM
Classification: Likely pathogenic for Intellectual disability, X-linked 102. Last evaluated: 2023-05-20. Review status: criteria provided, single submitter. Criteria: ACMG Guidelines, 2015. Collection method: clinical testing. Allele origin: germline. Inheritance: X-linked dominant inheritance. Affected: yes.
Comment: The observed missense variant c.641T>C(p.Ile214Thr) in DDX3X gene has been reported previously in individuals with intellectual disability as a part of cohort study (Snijders Blok L, et al., 2015).The other variants affecting the Isoleucine at the same position are reported previously as pathogenic (Scala M, et al., 2019). The c.641T>C variant is absent in gnomAD Exomes. The amino acid Isoleucine at position 214 is changed to a Threonine changing protein sequence and it might alter its composition and physico-chemical properties. Multiple lines of computational evidence (Polyphen, SIFT and MutationTaster) predict a damaging effect on protein structure and function for this variant. The amino acid change p.Ile214Thr in DDX3X is predicted as conserved by GERP++ and PhyloP across 100 vertebrates. For these reasons, this variant has been classified as Likely Pathogenic.

Literature cited by the submitters: PubMed 25533962 (cited by Ambry Genetics); PubMed 26235985 (cited by Ambry Genetics); PubMed 29490693 (cited by Ambry Genetics).